The following is an entry in ClinVar:

ClinVar aggregate classification (germline): Uncertain significance (1 of 4 stars; one submission).

Submission:

Ambry Genetics
Classification: Uncertain significance. Last evaluated: 2023-08-30. Review status: criteria provided, single submitter. Criteria: Ambry Variant Classification Scheme 2023. Collection method: clinical testing. Allele origin: germline.
Comment: The p.A1245P variant (also known as c.3733G>C), located in coding exon 4 of the ALPK2 gene, results from a G to C substitution at nucleotide position 3733. The alanine at codon 1245 is replaced by proline, an amino acid with highly similar properties. This amino acid position is conserved. In addition, this alteration is predicted to be tolerated by in silico analysis. Since supporting evidence is limited at this time, the clinical significance of this alteration remains unclear.

NM_052947.4(ALPK2):c.3733G>C (p.Ala1245Pro)

Genes: ALPK2 (alpha kinase 2; minus strand), LOC126862764 (BRD4-independent group 4 enhancer GRCh37_chr18:56202574-56203773; plus strand). Cytogenetic location: 18q21.31.
Variant type: single nucleotide variant.
Coding change: c.3733G>C on transcript NM_052947.4 (MANE Select); coding-DNA position 3733, G replaced by C.
Protein change: p.Ala1245Pro; replaces alanine 1245 with proline.
Molecular consequence: missense variant.
Genome position (GRCh38, 1-based): chr18:58,536,454, C>G on the plus strand (G>C on the coding strand, the complement: ALPK2 is on the minus strand). VCF-style: chr18-58536454-C-G. GRCh37 (hg19) VCF-style: chr18-56203686-C-G.
Other names: short protein forms A1245P.
Identifiers: ClinVar variation 2626034 (VCV002626034.2), dbSNP rs147290810, ClinGen allele CA402565855.